The following is an entry in ClinVar:

ClinVar aggregate classification (germline): Uncertain significance (1 of 4 stars; one submission).

Allele frequency attached by ClinVar (database versions not stated): gnomAD exomes 0.00002; ExAC 0.00005; gnomAD 0.00010; TOPMed 0.00012.
gnomAD v4.1: 36 of 1,542,340 alleles (0.0023%); highest among the groups gnomAD compares: African/African-American, 0.041%; no homozygotes.

Submission:

GeneDx
Classification: Uncertain significance. Last evaluated: 2024-04-17. Review status: criteria provided, single submitter. Criteria: GeneDx Variant Classification Process June 2021. Collection method: clinical testing. Allele origin: germline. Affected: yes.
Comment: In silico analysis supports that this missense variant does not alter protein structure/function; Has not been previously published as pathogenic or benign to our knowledge

NM_001145026.2(PTPRQ):c.2356C>A (p.Pro786Thr)

Gene: PTPRQ (protein tyrosine phosphatase receptor type Q; plus strand). Cytogenetic location: 12q21.31.
Variant type: single nucleotide variant.
Coding change: c.2356C>A on transcript NM_001145026.2 (MANE Select); coding-DNA position 2356, C replaced by A.
Protein change: p.Pro786Thr; replaces proline 786 with threonine.
Molecular consequence: missense variant.
Genome position (GRCh38, 1-based): chr12:80,506,107, C>A. VCF-style: chr12-80506107-C-A. GRCh37 (hg19) VCF-style: chr12-80899886-C-A.
Other names: short protein forms P786T.
Identifiers: ClinVar variation 3252916 (VCV003252916.1), dbSNP rs767769646.